The following is an entry in ClinVar:

NM_016284.5(CNOT1):c.4434+161G>A

Gene: CNOT1 (CCR4-NOT transcription complex subunit 1; minus strand). Cytogenetic location: 16q21.
Variant type: single nucleotide variant.
Coding change: c.4434+161G>A on transcript NM_016284.5 (MANE Select); 161 bases into the intron after coding-DNA position 4434, G replaced by A.
Molecular consequence: intron variant. On other transcripts: missense variant (1).
Genome position (GRCh38, 1-based): chr16:58,543,446, C>T on the plus strand (G>A on the coding strand, the complement: CNOT1 is on the minus strand). VCF-style: chr16-58543446-C-T. GRCh37 (hg19) VCF-style: chr16-58577350-C-T.
Other names: c.4595G>A, p.Arg1532Lys (NM_206999.3); c.4419+161G>A (NM_001265612.2); short protein forms R1532K.
Identifiers: ClinVar variation 1691001 (VCV001691001.2), dbSNP rs2151917947, ClinGen allele CA396169380.

ClinVar aggregate classification (germline): Uncertain significance (1 of 4 stars; one submission).

gnomAD v4.1: 2 of 1,492,560 alleles (0.00013%); highest among the groups gnomAD compares: Non-Finnish European, 0.00018%; no homozygotes.

Submission:

Laboratorio de Genetica e Diagnostico Molecular, Hospital Israelita Albert Einstein
Classification: Uncertain significance. Last evaluated: 2021-02-22. Review status: criteria provided, single submitter. Criteria: ACMG Guidelines, 2015. Collection method: clinical testing. Allele origin: germline. Affected: yes.
Comment: ACMG classification criteria: PM2, PP2, BP4